The following is an entry in ClinVar:

ClinVar aggregate classification (germline): Uncertain significance (1 of 4 stars; one submission).

Conditions:
Mitochondrial DNA depletion syndrome, encephalomyopathic form with methylmalonic aciduria (MTDPS5). Also called: MITOCHONDRIAL DNA DEPLETION SYNDROME, ENCEPHALOMYOPATHIC FORM, WITH OR WITHOUT METHYLMALONIC ACIDURIA, AUTOSOMAL RECESSIVE, SUCLA2-RELATED; Mitochondrial DNA depletion syndrome 5 (encephalomyopathic with or without methylmalonic aciduria); SUCLA2-Related Mitochondrial DNA Depletion Syndrome, Encephalomyopathic Form with Methylmalonic Aciduria; Mitochondrial encephalomyopathy aminoacidopathy. Identifiers: Orphanet 1933, MedGen C5980207, MONDO:0012791, OMIM 612073.

Submission:

Labcorp Genetics (formerly Invitae), Labcorp
Classification: Uncertain significance for Mitochondrial DNA depletion syndrome, encephalomyopathic form with methylmalonic aciduria. Last evaluated: 2022-05-27. Review status: criteria provided, single submitter. Criteria: Invitae Variant Classification Sherloc (09022015). Collection method: clinical testing. Allele origin: germline.
Comment: This sequence change replaces glycine, which is neutral and non-polar, with glutamic acid, which is acidic and polar, at codon 146 of the SUCLA2 protein (p.Gly146Glu). In summary, the available evidence is currently insufficient to determine the role of this variant in disease. Therefore, it has been classified as a Variant of Uncertain Significance. Algorithms developed to predict the effect of missense changes on protein structure and function are either unavailable or do not agree on the potential impact of this missense change (SIFT: "Deleterious"; PolyPhen-2: "Probably Damaging"; Align-GVGD: "Class C0"). This variant has not been reported in the literature in individuals affected with SUCLA2-related conditions. This variant is not present in population databases (gnomAD no frequency).

NM_003850.3(SUCLA2):c.437G>A (p.Gly146Glu)

Gene: SUCLA2 (succinate-CoA ligase ADP-forming subunit beta; minus strand). Cytogenetic location: 13q14.2.
Variant type: single nucleotide variant.
Coding change: c.437G>A on transcript NM_003850.3 (MANE Select); coding-DNA position 437, G replaced by A.
Protein change: p.Gly146Glu; replaces glycine 146 with glutamic acid.
Molecular consequence: missense variant.
Genome position (GRCh38, 1-based): chr13:47,988,638, C>T on the plus strand (G>A on the coding strand, the complement: SUCLA2 is on the minus strand). VCF-style: chr13-47988638-C-T. GRCh37 (hg19) VCF-style: chr13-48562773-C-T.
Other names: short protein forms G146E.
Identifiers: ClinVar variation 1999560 (VCV001999560.4), dbSNP rs2137743042, ClinGen allele CA388150691.
Genomic context (GRCh38, chr13:47,988,638, plus strand): 5'-TCTCTCCTGGGATATTTTCGCTCACAGACCAATACTTGATTGCATATTCTGCCCTTTTCT[C>T]CCGTTTGCTTGGTAAACAATTTTTTCCCAATCATTTGTGAAGAAACAGCTTTTGCTTCTT-3'
Protein context (NP_003841.1, residues 136-156): IGKKLFTKQT[Gly146Glu]EKGRICNQVL